The following is an entry in ClinVar:

NM_032444.4(SLX4):c.3601C>T (p.Gln1201Ter)

Gene: SLX4 (SLX4 structure-specific endonuclease subunit; minus strand). Cytogenetic location: 16p13.3.
Variant type: single nucleotide variant.
Coding change: c.3601C>T on transcript NM_032444.4 (MANE Select); coding-DNA position 3601, C replaced by T.
Protein change: p.Gln1201Ter; replaces glutamine 1201 with a stop codon.
Molecular consequence: nonsense.
Genome position (GRCh38, 1-based): chr16:3,590,037, G>A on the plus strand (C>T on the coding strand, the complement: SLX4 is on the minus strand). VCF-style: chr16-3590037-G-A. GRCh37 (hg19) VCF-style: chr16-3640038-G-A.
Other names: short protein forms Q1201*.
Identifiers: ClinVar variation 3775304 (VCV003775304.3).

ClinVar aggregate classification (germline): Pathogenic/Likely pathogenic. Review status: criteria provided, multiple submitters, no conflicts (2 of 4 stars). 3 submissions from 3 submitters: Pathogenic (2); Likely pathogenic (1). Last evaluated 2025-06-25.

Conditions:
Fanconi anemia (FA). Also called: Fanconi's anemia. Identifiers: Orphanet 84, MedGen C0015625, MeSH D005199, MONDO:0019391.
Fanconi anemia complementation group P. Also called: SLX4-Related Fanconi Anemia. Identifiers: Orphanet 84, MedGen C3469542, MONDO:0013499, OMIM 613951.

gnomAD v4.1: 4 of 1,614,138 alleles (0.00025%); highest among the groups gnomAD compares: South Asian, 0.0022%; no homozygotes.

Submissions (3):

EVOGEN
Classification: Likely pathogenic for Fanconi anemia complementation group P. Last evaluated: 2025-06-25. Review status: criteria provided, single submitter. Criteria: ACMG Guidelines, 2015. Collection method: clinical testing. Allele origin: germline. Affected: yes.
Comment: Invasive cancer, G1. PVS1: Null variant in a gene where loss of function is a known mechanism of disease PM2: Extremely low frequency in gnomAD population databases

Labcorp Genetics (formerly Invitae), Labcorp
Classification: Pathogenic for Fanconi anemia. Last evaluated: 2025-05-06. Review status: criteria provided, single submitter. Criteria: Invitae Variant Classification Sherloc (09022015). Collection method: clinical testing. Allele origin: germline.
Comment: This sequence change creates a premature translational stop signal (p.Gln1201*) in the SLX4 gene. It is expected to result in an absent or disrupted protein product. Loss-of-function variants in SLX4 are known to be pathogenic (PMID: 21240277). This variant is present in population databases (rs758163209, gnomAD 0.004%). This variant has not been reported in the literature in individuals affected with SLX4-related conditions. ClinVar contains an entry for this variant (Variation ID: 3775304). For these reasons, this variant has been classified as Pathogenic.

3billion
Classification: Pathogenic for Fanconi anemia complementation group P. Last evaluated: 2023-12-06. Review status: criteria provided, single submitter. Criteria: ACMG Guidelines, 2015. Collection method: clinical testing. Allele origin: germline. Affected: yes.
Comment: The variant is observed at an extremely low frequency in the gnomAD v2.1.1 dataset (total allele frequency: <0.001%). Predicted Consequence/Location: Stop-gained (nonsense): predicted to result in a loss or disruption of normal protein function through nonsense-mediated decay (NMD) or protein truncation. Multiple pathogenic variants are reported downstream of the variant. Therefore, this variant is classified as Pathogenic according to the recommendation of ACMG/AMP guideline.

Literature cited by the submitters: PubMed 21240277 (cited by Labcorp Genetics (formerly Invitae), Labcorp).